The following is an entry in ClinVar:

ClinVar aggregate classification (germline): Conflicting classifications of pathogenicity. Review status: criteria provided, conflicting classifications (1 of 4 stars). 4 submissions from 4 submitters: Uncertain significance (3); Likely benign (1). Last evaluated 2025-06-05.

Conditions:
Cardiovascular phenotype. Identifiers: MedGen CN230736.
Arrhythmogenic right ventricular dysplasia 8 (ARVD8). Also called: Arrhythmogenic Right Ventricular Dysplasia/Cardiomyopathy 8; ARRHYTHMOGENIC RIGHT VENTRICULAR DYSPLASIA, FAMILIAL, 8; ARRHYTHMOGENIC RIGHT VENTRICULAR CARDIOMYOPATHY 8. Identifiers: MedGen C1843896, MONDO:0011831, OMIM 607450.
Arrhythmogenic cardiomyopathy with wooly hair and keratoderma. Also called: PALMOPLANTAR KERATODERMA WITH LEFT VENTRICULAR CARDIOMYOPATHY AND WOOLLY HAIR; Dilated cardiomyopathy with woolly hair and keratoderma; Arrhythmogenic cardiomyopathy with woolly hair and keratoderma; Carvajal syndrome. Identifiers: Orphanet 65282, MedGen C1854063, MONDO:0011581, OMIM 605676.
Cardiomyopathy (CMYO). Also called: Cardiomyopathies. Identifiers: Orphanet 167848, MedGen C0878544, MONDO:0004994, HP:0001638. Inheritance: Various modes of inheritance.

gnomAD v4.1: 2 of 1,614,118 alleles (0.00012%); highest among the groups gnomAD compares: East Asian, 0.0022%; no homozygotes.

Submissions (4):

Labcorp Genetics (formerly Invitae), Labcorp
Classification: Likely benign for Arrhythmogenic cardiomyopathy with wooly hair and keratoderma; Arrhythmogenic right ventricular dysplasia 8. Last evaluated: 2025-06-05. Review status: criteria provided, single submitter. Criteria: Invitae Variant Classification Sherloc (09022015). Collection method: clinical testing. Allele origin: germline.

Ambry Genetics
Classification: Uncertain significance for Cardiovascular phenotype. Last evaluated: 2025-03-03. Review status: criteria provided, single submitter. Criteria: Ambry Variant Classification Scheme 2023. Collection method: clinical testing. Allele origin: germline.
Comment: The p.E2699K variant (also known as c.8095G>A), located in coding exon 24 of the DSP gene, results from a G to A substitution at nucleotide position 8095. The glutamic acid at codon 2699 is replaced by lysine, an amino acid with similar properties. This amino acid position is conserved. In addition, this alteration is predicted to be deleterious by in silico analysis. Based on the available evidence, the clinical significance of this variant remains unclear.

GeneDx
Classification: Uncertain significance. Last evaluated: 2024-09-01. Review status: criteria provided, single submitter. Criteria: GeneDx Variant Classification Process June 2021. Collection method: clinical testing. Allele origin: germline. Affected: yes.
Comment: Not observed at significant frequency in large population cohorts (gnomAD); In silico analysis supports that this missense variant has a deleterious effect on protein structure/function; Has not been previously published as pathogenic or benign to our knowledge

Color Diagnostics, LLC DBA Color Health
Classification: Uncertain significance for Cardiomyopathy. Last evaluated: 2023-01-23. Review status: criteria provided, single submitter. Criteria: ACMG Guidelines, 2015. Collection method: clinical testing. Allele origin: germline.
Comment: This missense variant replaces glutamic acid with lysine at codon 2699 of the DSP protein. Computational prediction suggests that this variant may not impact protein structure and function (internally defined REVEL score threshold <= 0.5, PMID: 27666373). To our knowledge, functional studies have not been reported for this variant. This variant has not been reported in individuals affected with DSP-related disorders in the literature. This variant has been identified in 1/251374 chromosomes in the general population by the Genome Aggregation Database (gnomAD). The available evidence is insufficient to determine the role of this variant in disease conclusively. Therefore, this variant is classified as a Variant of Uncertain Significance.

NM_004415.4(DSP):c.8095G>A (p.Glu2699Lys)

Gene: DSP (desmoplakin; plus strand). Cytogenetic location: 6p24.3.
Variant type: single nucleotide variant.
Coding change: c.8095G>A on transcript NM_004415.4 (MANE Select); coding-DNA position 8095, G replaced by A.
Protein change: p.Glu2699Lys; replaces glutamic acid 2699 with lysine.
Molecular consequence: missense variant.
Genome position (GRCh38, 1-based): chr6:7,585,357, G>A. VCF-style: chr6-7585357-G-A. GRCh37 (hg19) VCF-style: chr6-7585590-G-A.
Other names: c.6298G>A, p.Glu2100Lys (NM_001008844.3); c.6766G>A, p.Glu2256Lys (NM_001319034.2); short protein forms E2100K, E2256K, E2699K.
Identifiers: ClinVar variation 2775377 (VCV002775377.5), dbSNP rs1377309647, ClinGen allele CA362694425.
Genomic context (GRCh38, chr6:7,585,357, plus strand): 5'-GTGATTGACCAAGACATGGCCACCAGGCTGAAGCCTGCTCAGAAAGCCTTCATAGGCTTC[G>A]AGGGTGTGAAGGGAAAGAAGAAGATGTCAGCAGCAGAGGCAGTGAAAGAAAAATGGCTCC-3'
Protein context (NP_004406.2, residues 2689-2709): KPAQKAFIGF[Glu2699Lys]GVKGKKKMSA